The following is an entry in ClinVar:

NM_004667.6(HERC2):c.13552T>C (p.Tyr4518His)

Gene: HERC2 (HECT and RLD domain containing E3 ubiquitin protein ligase 2; minus strand). Cytogenetic location: 15q13.1.
Variant type: single nucleotide variant.
Coding change: c.13552T>C on transcript NM_004667.6 (MANE Select); coding-DNA position 13552, T replaced by C.
Protein change: p.Tyr4518His; replaces tyrosine 4518 with histidine.
Molecular consequence: missense variant.
Genome position (GRCh38, 1-based): chr15:28,116,722, A>G on the plus strand (T>C on the coding strand, the complement: HERC2 is on the minus strand). VCF-style: chr15-28116722-A-G. GRCh37 (hg19) VCF-style: chr15-28361868-A-G.
Other names: short protein forms Y4518H.
Identifiers: ClinVar variation 3898960 (VCV003898960.1).

ClinVar aggregate classification (germline): Uncertain significance (1 of 4 stars; one submission).

gnomAD v4.1: 1 of 1,613,938 alleles (0.000062%); highest among the groups gnomAD compares: South Asian, 0.0011%; no homozygotes.

Submission:

GeneDx
Classification: Uncertain significance. Last evaluated: 2024-11-06. Review status: criteria provided, single submitter. Criteria: GeneDx Variant Classification Process June 2021. Collection method: clinical testing. Allele origin: germline. Affected: yes.
Comment: Not observed at significant frequency in large population cohorts (gnomAD); In silico analysis supports that this missense variant has a deleterious effect on protein structure/function; Has not been previously published as pathogenic or benign to our knowledge